The following is an entry in ClinVar:

ClinVar aggregate classification (germline): Benign (1 of 4 stars; one submission).

Conditions:
Charcot-Marie-Tooth disease type 2B (CMT2B). Also called: Charcot-Marie-Tooth Neuropathy Type 2B; CHARCOT-MARIE-TOOTH DISEASE, AXONAL, TYPE 2B; CHARCOT-MARIE-TOOTH DISEASE, AUTOSOMAL DOMINANT, TYPE 2B; HEREDITARY MOTOR AND SENSORY NEUROPATHY IIB. Identifiers: Orphanet 99936, MedGen C1833219, MONDO:0010949, OMIM 600882.

Allele frequency attached by ClinVar (database versions not stated): gnomAD 0.00001; 1000 Genomes Project 30x 0.00031; 1000 Genomes Project 0.00040.
gnomAD v4.1: 2 of 153,098 alleles (0.0013%); highest among the groups gnomAD compares: South Asian, 0.041%; no homozygotes.

Submission:

Illumina Laboratory Services, Illumina
Classification: Benign for Charcot-Marie-Tooth disease type 2B. Last evaluated: 2018-01-13. Review status: criteria provided, single submitter. Criteria: ICSL Variant Classification Criteria 13 December 2019. Collection method: clinical testing. Allele origin: germline.
Comment: This variant was observed in the ICSL laboratory as part of a predisposition screen in an ostensibly healthy population. It had not been previously curated by ICSL or reported in the Human Gene Mutation Database (HGMD: prior to June 1st, 2018), and was therefore a candidate for classification through an automated scoring system. Utilizing variant allele frequency, disease prevalence and penetrance estimates, and inheritance mode, an automated score was calculated to assess if this variant is too frequent to cause the disease. Based on the score and internal cut-off values, a variant classified as benign is not then subjected to further curation. The score for this variant resulted in a classification of benign for this disease.

NM_004637.6(RAB7A):c.*846A>G

Gene: RAB7A (RAB7A, member RAS oncogene family; plus strand). Cytogenetic location: 3q21.3.
Variant type: single nucleotide variant.
Coding change: c.*846A>G on transcript NM_004637.6 (MANE Select); 846 bases downstream of the stop codon, A replaced by G.
Molecular consequence: 3 prime UTR variant.
Genome position (GRCh38, 1-based): chr3:128,814,268, A>G. VCF-style: chr3-128814268-A-G. GRCh37 (hg19) VCF-style: chr3-128533111-A-G.
Identifiers: ClinVar variation 899942 (VCV000899942.4), dbSNP rs532629721, ClinGen allele CA82513954.